The following is an entry in ClinVar:

NM_003000.3(SDHB):c.86C>G (p.Ala29Gly)

Gene: SDHB (succinate dehydrogenase complex iron sulfur subunit B; minus strand). Cytogenetic location: 1p36.13.
Variant type: single nucleotide variant.
Coding change: c.86C>G on transcript NM_003000.3 (MANE Select); coding-DNA position 86, C replaced by G.
Protein change: p.Ala29Gly; replaces alanine 29 with glycine.
Molecular consequence: missense variant.
Genome position (GRCh38, 1-based): chr1:17,044,875, G>C on the plus strand (C>G on the coding strand, the complement: SDHB is on the minus strand). VCF-style: chr1-17044875-G-C. GRCh37 (hg19) VCF-style: chr1-17371370-G-C.
Other names: c.86C>G, p.Ala29Gly (NM_001407361.1); short protein forms A29G.
Identifiers: ClinVar variation 4161248 (VCV004161248.1).

ClinVar aggregate classification (germline): Uncertain significance (1 of 4 stars; one submission).

Conditions:
Hereditary cancer-predisposing syndrome. Also called: Neoplastic Syndromes, Hereditary; Tumor predisposition; Hereditary Cancer Syndrome; Hereditary neoplastic syndrome. Identifiers: Orphanet 140162, MedGen C0027672, MeSH D009386, MONDO:0015356.

Submission:

Ambry Genetics
Classification: Uncertain significance for Hereditary cancer-predisposing syndrome. Last evaluated: 2025-07-18. Review status: criteria provided, single submitter. Criteria: Ambry Variant Classification Scheme 2023. Collection method: clinical testing. Allele origin: germline.
Comment: The p.A29G variant (also known as c.86C>G), located in coding exon 2 of the SDHB gene, results from a C to G substitution at nucleotide position 86. The alanine at codon 29 is replaced by glycine, an amino acid with similar properties. This amino acid position is conserved. In addition, the in silico prediction for this alteration is inconclusive. Based on the available evidence, the clinical significance of this variant remains unclear.